The following is an entry in ClinVar:

ClinVar aggregate classification (germline): Uncertain significance. Review status: criteria provided, multiple submitters, no conflicts (2 of 4 stars). 5 submissions from 4 submitters: Uncertain significance (5). Last evaluated 2025-11-19.

Conditions:
Autosomal recessive nonsyndromic hearing loss 12. Also called: DEAFNESS, AUTOSOMAL RECESSIVE 12. Identifiers: Orphanet 90636, MedGen C1832394, MONDO:0011067, OMIM 601386.
Inborn genetic diseases. Identifiers: MedGen C0950123, MeSH D030342.
Usher syndrome type 1D (USH1D). Also called: USHER SYNDROME, TYPE ID. Identifiers: Orphanet 231169, Orphanet 886, MedGen C1832845, MONDO:0010984, OMIM 601067.

Allele frequency attached by ClinVar (database versions not stated): gnomAD 0.00001.
gnomAD v4.1: 13 of 1,573,694 alleles (0.00083%); highest among the groups gnomAD compares: African/African-American, 0.0014%; no homozygotes.

Submissions (5):

Ambry Genetics
Classification: Uncertain significance for Inborn genetic diseases. Last evaluated: 2025-11-19. Review status: criteria provided, single submitter. Criteria: Ambry Variant Classification Scheme 2023. Collection method: clinical testing. Allele origin: germline.

Blueprint Genetics
Classification: Uncertain significance. Last evaluated: 2024-09-09. Review status: criteria provided, single submitter. Criteria: ACMG Guidelines, 2015. Collection method: clinical testing. Allele origin: germline.

Labcorp Genetics (formerly Invitae), Labcorp
Classification: Uncertain significance. Last evaluated: 2022-01-26. Review status: criteria provided, single submitter. Criteria: Invitae Variant Classification Sherloc (09022015). Collection method: clinical testing. Allele origin: germline.
Comment: This sequence change replaces histidine, which is basic and polar, with tyrosine, which is neutral and polar, at codon 10 of the CDH23 protein (p.His10Tyr). This variant is not present in population databases (gnomAD no frequency). This variant has not been reported in the literature in individuals affected with CDH23-related conditions. ClinVar contains an entry for this variant (Variation ID: 877333). Algorithms developed to predict the effect of missense changes on protein structure and function are either unavailable or do not agree on the potential impact of this missense change (SIFT: "Tolerated"; PolyPhen-2: "Not Available"; Align-GVGD: "Class C0"). In summary, the available evidence is currently insufficient to determine the role of this variant in disease. Therefore, it has been classified as a Variant of Uncertain Significance.

Illumina Laboratory Services, Illumina
Classification: Uncertain significance for Usher syndrome type 1D. Last evaluated: 2018-01-13. Review status: criteria provided, single submitter. Criteria: ICSL Variant Classification Criteria 13 December 2019. Collection method: clinical testing. Allele origin: germline.

Illumina Laboratory Services, Illumina
Classification: Uncertain significance for Autosomal recessive nonsyndromic hearing loss 12. Last evaluated: 2018-01-13. Review status: criteria provided, single submitter. Criteria: ICSL Variant Classification Criteria 13 December 2019. Collection method: clinical testing. Allele origin: germline.

NM_022124.6(CDH23):c.28C>T (p.His10Tyr)

Gene: CDH23 (cadherin related 23; plus strand). Cytogenetic location: 10q22.1.
Variant type: single nucleotide variant.
Coding change: c.28C>T on transcript NM_022124.6 (MANE Select); coding-DNA position 28, C replaced by T.
Protein change: p.His10Tyr; replaces histidine 10 with tyrosine.
Molecular consequence: missense variant.
Genome position (GRCh38, 1-based): chr10:71,439,859, C>T. VCF-style: chr10-71439859-C-T. GRCh37 (hg19) VCF-style: chr10-73199616-C-T.
Other names: c.28C>T, p.His10Tyr (NM_001171930.2, NM_001171931.2, NM_001171932.2 and 1 more transcripts); short protein forms H10Y.
Identifiers: ClinVar variation 877333 (VCV000877333.13), dbSNP rs971142356, ClinGen allele CA209411258.